The following is an entry in ClinVar:

ClinVar aggregate classification (germline): Likely benign. Review status: criteria provided, multiple submitters, no conflicts (2 of 4 stars). 2 submissions from 2 submitters: Likely benign (2). Last evaluated 2026-04-13.

Conditions:
MYBPC3-related disorder. Also called: MYBPC3-related disorders; MYBPC3-related condition; MYBPC3-related disease.
Cardiomyopathy (CMYO). Also called: Cardiomyopathies. Identifiers: Orphanet 167848, MedGen C0878544, MONDO:0004994, HP:0001638. Inheritance: Various modes of inheritance.

Allele frequency attached by ClinVar (database versions not stated): gnomAD 0.00015; TOPMed 0.00015; 1000 Genomes Project 0.00040; 1000 Genomes Project 30x 0.00078.
gnomAD v4.1: 24 of 152,366 alleles (0.016%); highest among the groups gnomAD compares: East Asian, 0.12%; no homozygotes.

Submissions (2):

PreventionGenetics, part of Exact Sciences
Classification: Likely benign for MYBPC3-related condition. Last evaluated: 2026-04-13. Review status: criteria provided, single submitter. Criteria: ACMG Guidelines, 2015. Collection method: clinical testing. Allele origin: germline.
Comment: This variant is classified as likely benign based on ACMG/AMP sequence variant interpretation guidelines (Richards et al. 2015 PMID: 25741868, with internal and published modifications).

Color Diagnostics, LLC DBA Color Health
Classification: Likely benign for Cardiomyopathy. Last evaluated: 2023-10-31. Review status: criteria provided, single submitter. Criteria: ACMG Guidelines, 2015. Collection method: clinical testing. Allele origin: germline.

NM_000256.3(MYBPC3):c.1927+601G>A

Gene: MYBPC3 (myosin binding protein C3; minus strand). Cytogenetic location: 11p11.2.
Variant type: single nucleotide variant.
Coding change: c.1927+601G>A on transcript NM_000256.3 (MANE Select); 601 bases into the intron after coding-DNA position 1927, G replaced by A.
Molecular consequence: intron variant.
Genome position (GRCh38, 1-based): chr11:47,340,402, C>T on the plus strand (G>A on the coding strand, the complement: MYBPC3 is on the minus strand). VCF-style: chr11-47340402-C-T. GRCh37 (hg19) VCF-style: chr11-47361953-C-T.
Identifiers: ClinVar variation 2773728 (VCV002773728.3), dbSNP rs571519220, ClinGen allele CA221693222.